The following is an entry in ClinVar:

ClinVar aggregate classification (germline): Uncertain significance. Review status: criteria provided, multiple submitters, no conflicts (2 of 4 stars). 4 submissions from 4 submitters: Uncertain significance (4). Last evaluated 2024-08-01.

Conditions:
Hepatic veno-occlusive disease-immunodeficiency syndrome. Also called: Hepatic Veno-Occlusive Disease with Immunodeficiency. Identifiers: Orphanet 79124, MedGen C1856128, MONDO:0009338, OMIM 235550. Disease mechanism: loss of function.
Inborn genetic diseases. Identifiers: MedGen C0950123, MeSH D030342.

Allele frequency attached by ClinVar (database versions not stated): ExAC 0.00002; gnomAD 0.00004; gnomAD exomes 0.00004 and 0.00006; TOPMed 0.00004; ESP Exome Variant Server 0.00008.
gnomAD v4.1: 60 of 1,603,140 alleles (0.0037%); highest among the groups gnomAD compares: Middle Eastern, 0.049%; no homozygotes.

Submissions (4):

CeGaT Center for Human Genetics Tuebingen
Classification: Uncertain significance. Last evaluated: 2024-08-01. Review status: criteria provided, single submitter. Criteria: CeGaT Center For Human Genetics Tuebingen Variant Classification Criteria Version 2. Collection method: clinical testing. Allele origin: germline. Affected: yes. Observed: 2 variant alleles.
Comment: SP110: PM2, BP4

Labcorp Genetics (formerly Invitae), Labcorp
Classification: Uncertain significance for Hepatic veno-occlusive disease-immunodeficiency syndrome. Last evaluated: 2022-08-22. Review status: criteria provided, single submitter. Criteria: Invitae Variant Classification Sherloc (09022015). Collection method: clinical testing. Allele origin: germline.
Comment: This sequence change replaces proline, which is neutral and non-polar, with arginine, which is basic and polar, at codon 689 of the SP110 protein (p.Pro689Arg). This variant is present in population databases (rs200225863, gnomAD 0.04%), including at least one homozygous and/or hemizygous individual. This variant has not been reported in the literature in individuals affected with SP110-related conditions. ClinVar contains an entry for this variant (Variation ID: 334889). Algorithms developed to predict the effect of missense changes on protein structure and function are either unavailable or do not agree on the potential impact of this missense change (SIFT: "Deleterious"; PolyPhen-2: "Probably Damaging"; Align-GVGD: "Class C0"). In summary, the available evidence is currently insufficient to determine the role of this variant in disease. Therefore, it has been classified as a Variant of Uncertain Significance.

Ambry Genetics
Classification: Uncertain significance for Inborn genetic diseases. Last evaluated: 2021-10-21. Review status: criteria provided, single submitter. Criteria: Ambry Variant Classification Scheme 2023. Collection method: clinical testing. Allele origin: germline.

Illumina Laboratory Services, Illumina
Classification: Uncertain significance for Hepatic veno-occlusive disease-immunodeficiency syndrome. Last evaluated: 2018-01-13. Review status: criteria provided, single submitter. Criteria: ICSL Variant Classification Criteria 13 December 2019. Collection method: clinical testing. Allele origin: germline.

NM_080424.4(SP110):c.2138C>G (p.Pro713Arg)

Gene: SP110 (SP110 nuclear body protein; minus strand). Cytogenetic location: 2q37.1.
Variant type: single nucleotide variant.
Coding change: c.2138C>G on transcript NM_080424.4 (MANE Select); coding-DNA position 2138, C replaced by G.
Protein change: p.Pro713Arg; replaces proline 713 with arginine.
Molecular consequence: missense variant.
Genome position (GRCh38, 1-based): chr2:230,169,128, G>C on the plus strand (C>G on the coding strand, the complement: SP110 is on the minus strand). VCF-style: chr2-230169128-G-C. GRCh37 (hg19) VCF-style: chr2-231033844-G-C.
Other names: c.2234C>G, p.Pro745Arg (NM_001378442.1); c.2216C>G, p.Pro739Arg (NM_001378443.1); c.2156C>G, p.Pro719Arg (NM_001378444.1); c.2084C>G, p.Pro695Arg (NM_001378445.1); c.1943C>G, p.Pro648Arg (NM_001378446.1); c.2066C>G, p.Pro689Arg (NM_004509.5); short protein forms P713R, P689R, P648R, P695R, P719R, P739R, P745R.
Identifiers: ClinVar variation 334889 (VCV000334889.51), dbSNP rs200225863, ClinGen allele CA2154226.